The following is an entry in ClinVar:

ClinVar aggregate classification (germline): Uncertain significance (1 of 4 stars; one submission).

Conditions:
Inborn genetic diseases. Identifiers: MedGen C0950123, MeSH D030342.

Submission:

Ambry Genetics
Classification: Uncertain significance for Inborn genetic diseases. Last evaluated: 2026-06-19. Review status: criteria provided, single submitter. Criteria: Ambry Variant Classification Scheme 2023. Collection method: clinical testing. Allele origin: germline.
Comment: The p.L1135M variant (also known as c.3403C>A), located in coding exon 14 of the FANCM gene, results from a C to A substitution at nucleotide position 3403. The leucine at codon 1135 is replaced by methionine, an amino acid with highly similar properties. This amino acid position is conserved. In addition, this alteration is predicted to be tolerated by in silico analysis. Based on the available evidence, the clinical significance of this variant remains unclear.

NM_020937.4(FANCM):c.3403C>A (p.Leu1135Met)

Gene: FANCM (FA complementation group M; plus strand). Cytogenetic location: 14q21.2.
Variant type: single nucleotide variant.
Coding change: c.3403C>A on transcript NM_020937.4 (MANE Select); coding-DNA position 3403, C replaced by A.
Protein change: p.Leu1135Met; replaces leucine 1135 with methionine.
Molecular consequence: missense variant.
Genome position (GRCh38, 1-based): chr14:45,176,157, C>A. VCF-style: chr14-45176157-C-A. GRCh37 (hg19) VCF-style: chr14-45645360-C-A.
Other names: c.3325C>A, p.Leu1109Met (NM_001308133.2); short protein forms L1109M, L1135M.
Identifiers: ClinVar variation 5036563 (VCV005036563.1).
Genomic context (GRCh38, chr14:45,176,157, plus strand): 5'-AATCATGATGTTGATAACAGTGACCTCCCAGTATTGTCCACTGATCAAGATGAAAGTTTG[C>A]TGTTATTTGAAGATGTTAATACAGAGTTCGACGATGTGAGTCTTTCACCCTTGAACAGTA-3'
Protein context (NP_065988.1, residues 1125-1145): VLSTDQDESL[Leu1135Met]LFEDVNTEFD